The following is an entry in ClinVar:

NM_004646.4(NPHS1):c.1117C>T (p.Arg373Ter)

Gene: NPHS1 (NPHS1 adhesion molecule, nephrin; minus strand). Cytogenetic location: 19q13.12.
Variant type: single nucleotide variant.
Coding change: c.1117C>T on transcript NM_004646.4 (MANE Select); coding-DNA position 1117, C replaced by T.
Protein change: p.Arg373Ter; replaces arginine 373 with a stop codon.
Molecular consequence: nonsense.
Genome position (GRCh38, 1-based): chr19:35,848,690, G>A on the plus strand (C>T on the coding strand, the complement: NPHS1 is on the minus strand). VCF-style: chr19-35848690-G-A. GRCh37 (hg19) VCF-style: chr19-36339592-G-A.
Other names: c.1117C>T (NM_004646.3); short protein forms R373*.
Identifiers: ClinVar variation 1073364 (VCV001073364.10), dbSNP rs753535989, ClinGen allele CA9390544.

ClinVar aggregate classification (germline): Pathogenic/Likely pathogenic. Review status: criteria provided, multiple submitters, no conflicts (2 of 4 stars). 4 submissions from 4 submitters: Pathogenic (2); Likely pathogenic (2). Last evaluated 2026-01-08.

Conditions:
Finnish congenital nephrotic syndrome (NPHS1). Also called: NEPHROTIC SYNDROME, TYPE 1. Identifiers: Orphanet 839, MedGen C0403399, MONDO:0009732, OMIM 256300.

Allele frequency attached by ClinVar (database versions not stated): gnomAD exomes below 0.00001; ExAC 0.00001; TOPMed 0.00001.
gnomAD v4.1: 6 of 1,614,118 alleles (0.00037%); highest among the groups gnomAD compares: Non-Finnish European, 0.00051%; no homozygotes.

Submissions (4):

Natera, Inc.
Classification: Likely pathogenic for Finnish congenital nephrotic syndrome. Last evaluated: 2026-01-08. Review status: criteria provided, single submitter. Criteria: Natera Variant Classification Schema (03/2026). Collection method: clinical testing. Allele origin: germline.
Comment: The c.1117C>T variant in NPHS1 is a nonsense variant predicted to introduce a stop codon at amino acid 373. This variant is expected to result in nonsense mediated decay, truncation, or a dysfunctional protein product. This variant is rare in the general population with a frequency below the threshold expected for the associated phenotype(s). Given the available evidence, this variant is classified as Likely Pathogenic.

Baylor Genetics
Classification: Pathogenic for Finnish congenital nephrotic syndrome. Last evaluated: 2024-03-13. Review status: criteria provided, single submitter. Criteria: ACMG Guidelines, 2015. Collection method: clinical testing. Allele origin: unknown.

Labcorp Genetics (formerly Invitae), Labcorp
Classification: Pathogenic. Last evaluated: 2023-08-02. Review status: criteria provided, single submitter. Criteria: Invitae Variant Classification Sherloc (09022015). Collection method: clinical testing. Allele origin: germline.
Comment: For these reasons, this variant has been classified as Pathogenic. This sequence change creates a premature translational stop signal (p.Arg373*) in the NPHS1 gene. It is expected to result in an absent or disrupted protein product. Loss-of-function variants in NPHS1 are known to be pathogenic (PMID: 11317351, 11854170, 12039988). This variant is present in population databases (rs753535989, gnomAD 0.0009%). This variant has not been reported in the literature in individuals affected with NPHS1-related conditions. ClinVar contains an entry for this variant (Variation ID: 1073364).

Fulgent Genetics
Classification: Likely pathogenic for Finnish congenital nephrotic syndrome. Last evaluated: 2022-05-13. Review status: criteria provided, single submitter. Criteria: ACMG Guidelines, 2015. Collection method: clinical testing. Allele origin: unknown.

Literature cited by the submitters: PubMed 11317351 (cited by Labcorp Genetics (formerly Invitae), Labcorp); PubMed 11854170 (cited by Labcorp Genetics (formerly Invitae), Labcorp); PubMed 12039988 (cited by Labcorp Genetics (formerly Invitae), Labcorp).